The following is an entry in ClinVar:

NM_006218.4(PIK3CA):c.496G>A (p.Val166Ile)

Gene: PIK3CA (phosphatidylinositol-4,5-bisphosphate 3-kinase catalytic subunit alpha; plus strand). Cytogenetic location: 3q26.32.
Variant type: single nucleotide variant.
Coding change: c.496G>A on transcript NM_006218.4 (MANE Select); coding-DNA position 496, G replaced by A.
Protein change: p.Val166Ile; replaces valine 166 with isoleucine.
Molecular consequence: missense variant.
Genome position (GRCh38, 1-based): chr3:179,199,833, G>A. VCF-style: chr3-179199833-G-A. GRCh37 (hg19) VCF-style: chr3-178917621-G-A.
Other names: short protein forms V166I.
Identifiers: ClinVar variation 5026678 (VCV005026678.1).

ClinVar aggregate classification (germline): Uncertain significance (1 of 4 stars; one submission).

Conditions:
Inborn genetic diseases. Identifiers: MedGen C0950123, MeSH D030342.

Submission:

Ambry Genetics
Classification: Uncertain significance for Inborn genetic diseases. Last evaluated: 2026-06-21. Review status: criteria provided, single submitter. Criteria: Ambry Variant Classification Scheme 2023. Collection method: clinical testing. Allele origin: germline.
Comment: The p.V166I variant (also known as c.496G>A), located in coding exon 2 of the PIK3CA gene, results from a G to A substitution at nucleotide position 496. The valine at codon 166 is replaced by isoleucine, an amino acid with highly similar properties. This amino acid position is conserved. In addition, this alteration is predicted to be tolerated by in silico analysis. Based on the available evidence, the clinical significance of this variant remains unclear.